The following is an entry in ClinVar:

NM_183050.4(BCKDHB):c.748G>T (p.Glu250Ter)

Gene: BCKDHB (branched chain keto acid dehydrogenase E1 subunit beta; plus strand). Cytogenetic location: 6q14.1.
Variant type: single nucleotide variant.
Coding change: c.748G>T on transcript NM_183050.4 (MANE Select); coding-DNA position 748, G replaced by T.
Protein change: p.Glu250Ter; replaces glutamic acid 250 with a stop codon.
Molecular consequence: nonsense. On other transcripts: non-coding transcript variant (1).
Genome position (GRCh38, 1-based): chr6:80,200,939, G>T. VCF-style: chr6-80200939-G-T. GRCh37 (hg19) VCF-style: chr6-80910656-G-T.
Other names: c.748G>T, p.Glu250Ter (NM_000056.5); c.538G>T, p.Glu180Ter (NM_001318975.1); short protein forms E250*, E180*.
Identifiers: ClinVar variation 96607 (VCV000096607.16), dbSNP rs398124592, ClinGen allele CA224338.

ClinVar aggregate classification (germline): Pathogenic. Review status: criteria provided, multiple submitters, no conflicts (2 of 4 stars). 4 submissions from 4 submitters: Pathogenic (4). Last evaluated 2024-08-23.

Conditions:
Maple syrup urine disease type 1B (MSUD1B). Also called: MSUD type IB; MSUD type 3 (formerly); MSUD due to deficiency of e1-beta subunit of branched-chain alpha-keto acid dehydrogenase complex. Identifiers: MedGen C2930990, MONDO:0023692, OMIM 620698.
Maple syrup urine disease (MSUD). Identifiers: Orphanet 511, MedGen C0024776, MeSH D008375, MONDO:0009563. Disease mechanism: loss of function.

Submissions (4):

Myriad Genetics, Inc.
Classification: Pathogenic for Maple syrup urine disease type 1B. Last evaluated: 2024-08-23. Review status: criteria provided, single submitter. Criteria: Myriad Autosomal Dominant, Autosomal Recessive and X-Linked Classification Criteria (2023). Collection method: clinical testing. Allele origin: unknown.
Comment: NM_183050.2(BCKDHB):c.748G>T(E250*) is expected to be pathogenic in the context of maple syrup urine disease type Ib. This variant is predicted to lead to an abnormal or absent protein product due to the creation of a premature termination codon in BCKDHB, a gene where loss-of-function variants are known to be pathogenic. Please note: this variant was assessed in the context of healthy population screening.

Genome-Nilou Lab
Classification: Pathogenic for Maple syrup urine disease type 1A. Last evaluated: 2021-11-07. Review status: criteria provided, single submitter. Criteria: ACMG Guidelines, 2015. Collection method: clinical testing. Allele origin: germline. Affected: no.

Labcorp Genetics (formerly Invitae), Labcorp
Classification: Pathogenic for Maple syrup urine disease. Last evaluated: 2019-03-22. Review status: criteria provided, single submitter. Criteria: Invitae Variant Classification Sherloc (09022015). Collection method: clinical testing. Allele origin: germline.
Comment: This sequence change creates a premature translational stop signal (p.Glu250*) in the BCKDHB gene. It is expected to result in an absent or disrupted protein product. For these reasons, this variant has been classified as Pathogenic. Loss-of-function variants in BCKDHB are known to be pathogenic (PMID: 16786533, 22593002). This variant has not been reported in the literature in individuals with BCKDHB-related conditions. ClinVar contains an entry for this variant (Variation ID: 96607). This variant is not present in population databases (ExAC no frequency).

Eurofins Ntd Llc (ga)
Classification: Pathogenic. Last evaluated: 2013-08-23. Review status: criteria provided, single submitter. Criteria: EGL Classification Definitions. Collection method: clinical testing. Allele origin: germline. Observed: 1 variant allele, 1 heterozygote.

Literature cited by the submitters: PubMed 16786533 (cited by Labcorp Genetics (formerly Invitae), Labcorp); PubMed 22593002 (cited by Labcorp Genetics (formerly Invitae), Labcorp).